The following is an entry in ClinVar:

NM_000203.5(IDUA):c.510G>A (p.Ala170=)

Gene: IDUA (alpha-L-iduronidase; plus strand). Cytogenetic location: 4p16.3.
Variant type: single nucleotide variant.
Coding change: c.510G>A on transcript NM_000203.5 (MANE Select); coding-DNA position 510, G replaced by A.
Protein change: p.Ala170=; no amino-acid change (alanine 170 retained).
Molecular consequence: synonymous variant. On other transcripts: non-coding transcript variant (1).
Genome position (GRCh38, 1-based): chr4:1,001,484, G>A. VCF-style: chr4-1001484-G-A. GRCh37 (hg19) VCF-style: chr4-995272-G-A.
Other names: c.510G>A (NM_000203.3); c.114G>A, p.Ala38= (NM_001363576.1).
Identifiers: ClinVar variation 723924 (VCV000723924.14), dbSNP rs754039388, ClinGen allele CA2801972.

ClinVar aggregate classification (germline): Likely benign. Review status: criteria provided, multiple submitters, no conflicts (2 of 4 stars). 3 submissions from 3 submitters: Likely benign (2). 1 of the submissions does not count toward it. Last evaluated 2026-01-18.

Conditions:
IDUA-related disorder. Also called: IDUA-related condition.
Inborn genetic diseases. Identifiers: MedGen C0950123, MeSH D030342.
Mucopolysaccharidosis type 1. Also called: Mucopolysaccharidosis Type I; IDUA deficiency; MPS I. Identifiers: Orphanet 579, MedGen C0023786, MONDO:0001586.

Allele frequency attached by ClinVar (database versions not stated): TOPMed 0.00001; gnomAD 0.00003.
gnomAD v4.1: 20 of 1,612,946 alleles (0.0012%); highest among the groups gnomAD compares: Admixed American, 0.018%; no homozygotes.

Submissions (3):

Labcorp Genetics (formerly Invitae), Labcorp
Classification: Likely benign for Mucopolysaccharidosis type 1. Last evaluated: 2026-01-18. Review status: criteria provided, single submitter. Criteria: Invitae Variant Classification Sherloc (09022015). Collection method: clinical testing. Allele origin: germline.

Ambry Genetics
Classification: Likely benign for Inborn genetic diseases. Last evaluated: 2024-12-05. Review status: criteria provided, single submitter. Criteria: Ambry Variant Classification Scheme 2023. Collection method: clinical testing. Allele origin: germline.

PreventionGenetics, part of Exact Sciences
Classification: Likely benign for IDUA-related condition. Last evaluated: 2019-09-26. Review status: no assertion criteria provided. Collection method: clinical testing. Allele origin: germline. Not counted in ClinVar's aggregate classification.
Comment: This variant is classified as likely benign based on ACMG/AMP sequence variant interpretation guidelines (Richards et al. 2015 PMID: 25741868, with internal and published modifications).